The following is an entry in ClinVar:

NM_024306.5(FA2H):c.337C>T (p.Arg113Trp)

Gene: FA2H (fatty acid 2-hydroxylase; minus strand). Cytogenetic location: 16q23.1.
Variant type: single nucleotide variant.
Coding change: c.337C>T on transcript NM_024306.5 (MANE Select); coding-DNA position 337, C replaced by T.
Protein change: p.Arg113Trp; replaces arginine 113 with tryptophan.
Molecular consequence: missense variant.
Genome position (GRCh38, 1-based): chr16:74,740,049, G>A on the plus strand (C>T on the coding strand, the complement: FA2H is on the minus strand). VCF-style: chr16-74740049-G-A. GRCh37 (hg19) VCF-style: chr16-74773947-G-A.
Other names: short protein forms R113W.
Identifiers: ClinVar variation 381515 (VCV000381515.27), dbSNP rs141276237, ClinGen allele CA8170582.

ClinVar aggregate classification (germline): Conflicting classifications of pathogenicity. Review status: criteria provided, conflicting classifications (1 of 4 stars). 9 submissions from 9 submitters: Uncertain significance (4); Likely benign (5). Last evaluated 2026-01-14.

Conditions:
Hereditary spastic paraplegia 35. Also called: Spastic paraplegia 35; SPASTIC PARAPLEGIA 35, AUTOSOMAL RECESSIVE, WITH OR WITHOUT NEURODEGENERATION; LEUKODYSTROPHY, DYSMYELINATING, AND SPASTIC PARAPARESIS WITH OR WITHOUT DYSTONIA; Spastic paraplegia 35, autosomal recessive. Identifiers: Orphanet 171629, MedGen C3496228, MONDO:0012866, OMIM 612319.
Spastic paraplegia. Identifiers: HP:0007216, MedGen C0037772.
Inborn genetic diseases. Identifiers: MedGen C0950123, MeSH D030342.
Hereditary spastic paraplegia. Also called: Familial spastic paraparesis. Identifiers: Orphanet 685, MedGen C0037773, MONDO:0019064. Disease mechanism: loss of function.

Allele frequency attached by ClinVar (database versions not stated): gnomAD exomes 0.00040 and 0.00070; gnomAD 0.00051 and 0.00053; TOPMed 0.00059; ExAC 0.00065; ESP Exome Variant Server 0.00085.

Submissions (9):

Labcorp Genetics (formerly Invitae), Labcorp
Classification: Likely benign for Spastic paraplegia. Last evaluated: 2026-01-14. Review status: criteria provided, single submitter. Criteria: Invitae Variant Classification Sherloc (09022015). Collection method: clinical testing. Allele origin: germline.

Blueprint Genetics
Classification: Likely benign. Last evaluated: 2024-10-28. Review status: criteria provided, single submitter. Criteria: ACMG Guidelines, 2015. Collection method: clinical testing. Allele origin: germline.

Women's Health and Genetics/Laboratory Corporation of America, LabCorp
Classification: Likely benign. Last evaluated: 2022-05-26. Review status: criteria provided, single submitter. Criteria: LabCorp Variant Classification Summary - May 2015. Collection method: clinical testing. Allele origin: germline.
Comment: Variant summary: FA2H c.337C>T (p.Arg113Trp) results in a non-conservative amino acid change in the encoded protein sequence. Three of five in-silico tools predict a benign effect of the variant on protein function. The variant allele was found at a frequency of 0.0007 in 251494 control chromosomes (gnomAD), predominantly at a frequency of 0.00098 within the Latino subpopulation in the gnomAD database. The observed variant frequency within Latino control individuals in the gnomAD database is approximately 5 fold of the estimated maximal expected allele frequency for a pathogenic variant in FA2H causing Neurodegeneration With Brain Iron Accumulation phenotype (0.00019), strongly suggesting that the variant is a benign polymorphism found primarily in populations of Latino origin. To our knowledge, no occurrence of c.337C>T in individuals affected with Neurodegeneration With Brain Iron Accumulation and no experimental evidence demonstrating its impact on protein function have been reported. Six ClinVar submitters have assessed the variant since 2014: four classified the variant as of uncertain significance and two as likely benign. Based on the evidence outlined above, the variant was classified as likely benign.

Ambry Genetics
Classification: Likely benign for Inborn genetic diseases. Last evaluated: 2021-11-16. Review status: criteria provided, single submitter. Criteria: Ambry Variant Classification Scheme 2023. Collection method: clinical testing. Allele origin: germline.

GeneDx
Classification: Likely benign. Last evaluated: 2020-11-23. Review status: criteria provided, single submitter. Criteria: GeneDx Variant Classification Process June 2021. Collection method: clinical testing. Allele origin: germline. Affected: yes.
Comment: This variant is associated with the following publications: (PMID: 24299421)

Baylor Genetics
Classification: Uncertain significance for Hereditary spastic paraplegia 35. Last evaluated: 2018-03-02. Review status: criteria provided, single submitter. Criteria: ACMG Guidelines, 2015. Collection method: clinical testing. Allele origin: maternal. Affected: yes.
Comment: This variant was determined to be of uncertain significance according to ACMG Guidelines, 2015 [PMID:25741868].

Genome Diagnostics Laboratory, The Hospital for Sick Children
Classification: Uncertain significance for Hereditary spastic paraplegia. Last evaluated: 2018-02-01. Review status: criteria provided, single submitter. Criteria: ACMG Guidelines, 2015. Collection method: clinical testing. Allele origin: germline. Affected: yes.

Genetic Services Laboratory, University of Chicago
Classification: Uncertain significance. Last evaluated: 2017-07-20. Review status: criteria provided, single submitter. Criteria: ACMG Guidelines, 2015. Collection method: clinical testing. Allele origin: germline. Affected: no.

Illumina Laboratory Services, Illumina
Classification: Uncertain significance for Hereditary spastic paraplegia 35. Last evaluated: 2017-04-27. Review status: criteria provided, single submitter. Criteria: ICSL Variant Classification Criteria 13 December 2019. Collection method: clinical testing. Allele origin: germline.
Comment: This variant was observed as part of a predisposition screen in an ostensibly healthy population. A literature search was performed for the gene, cDNA change, and amino acid change (where applicable). Publications were found based on this search. However, the evidence from the literature, in combination with allele frequency data from public databases where available, was not sufficient to rule this variant in or out of causing disease. Therefore, this variant is classified as a variant of unknown significance.

Literature cited by the submitters: PubMed 24299421 (cited by Illumina Laboratory Services, Illumina).